The following is an entry in ClinVar:

ClinVar aggregate classification (germline): Uncertain significance. Review status: criteria provided, multiple submitters, no conflicts (2 of 4 stars). 3 submissions from 3 submitters: Uncertain significance (3). Last evaluated 2025-09-17.

Conditions:
Hereditary cancer-predisposing syndrome. Also called: Hereditary neoplastic syndrome; Neoplastic Syndromes, Hereditary; Hereditary Cancer Syndrome; Tumor predisposition. Identifiers: Orphanet 140162, MedGen C0027672, MeSH D009386, MONDO:0015356.
Hereditary breast ovarian cancer syndrome. Also called: BRCA1- and BRCA2-Associated Hereditary Breast and Ovarian Cancer; Hereditary breast and ovarian cancer syndrome; Hereditary breast and ovarian cancer syndrome (HBOC); Hereditary breast and/or ovarian cancer syndrome; Breast and ovarian cancer; Hereditary breast and ovarian cancer. Identifiers: Orphanet 145, MedGen C0677776, MeSH D061325, MONDO:0003582. Disease mechanism: loss of function.

Submissions (3):

Ambry Genetics
Classification: Uncertain significance for Hereditary cancer-predisposing syndrome. Last evaluated: 2025-09-17. Review status: criteria provided, single submitter. Criteria: Ambry Variant Classification Scheme 2023. Collection method: clinical testing. Allele origin: germline.
Comment: The p.A134T variant (also known as c.400G>A), located in coding exon 5 of the BRCA1 gene, results from a G to A substitution at nucleotide position 400. The alanine at codon 134 is replaced by threonine, an amino acid with similar properties. This amino acid position is not well conserved in available vertebrate species. In addition, this alteration is predicted to be deleterious by in silico analysis. Based on the available evidence, the clinical significance of this variant remains unclear.

Color Diagnostics, LLC DBA Color Health
Classification: Uncertain significance for Hereditary cancer-predisposing syndrome. Last evaluated: 2023-10-16. Review status: criteria provided, single submitter. Criteria: ACMG Guidelines, 2015. Collection method: clinical testing. Allele origin: germline.
Comment: This missense variant replaces alanine with threonine at codon 134 of the BRCA1 protein. Computational prediction is inconclusive regarding the impact of this variant on protein structure and function (internally defined REVEL score threshold 0.5 < inconclusive < 0.7, PMID: 27666373). A functional study has reported that this variant does not impact BRCA1 function in a homology-directed repair assay (PMID: 30219179). To our knowledge, this variant has not been reported in individuals affected with hereditary cancer in the literature. This variant has not been identified in the general population by the Genome Aggregation Database (gnomAD). The available evidence is insufficient to determine the role of this variant in disease conclusively. Therefore, this variant is classified as a Variant of Uncertain Significance.

Labcorp Genetics (formerly Invitae), Labcorp
Classification: Uncertain significance for Hereditary breast ovarian cancer syndrome. Last evaluated: 2022-05-27. Review status: criteria provided, single submitter. Criteria: Invitae Variant Classification Sherloc (09022015). Collection method: clinical testing. Allele origin: germline.
Comment: ClinVar contains an entry for this variant (Variation ID: 658182). In summary, the available evidence is currently insufficient to determine the role of this variant in disease. Therefore, it has been classified as a Variant of Uncertain Significance. Advanced modeling of protein sequence and biophysical properties (such as structural, functional, and spatial information, amino acid conservation, physicochemical variation, residue mobility, and thermodynamic stability) performed at Invitae indicates that this missense variant is not expected to disrupt BRCA1 protein function. This variant has not been reported in the literature in individuals affected with BRCA1-related conditions. This variant is not present in population databases (gnomAD no frequency). This sequence change replaces alanine, which is neutral and non-polar, with threonine, which is neutral and polar, at codon 134 of the BRCA1 protein (p.Ala134Thr).

Literature cited by the submitters: PubMed 30219179 (cited by Color Diagnostics, LLC DBA Color Health).

NM_007294.4(BRCA1):c.400G>A (p.Ala134Thr)

Gene: BRCA1 (BRCA1 DNA repair associated; minus strand). Cytogenetic location: 17q21.31.
Variant type: single nucleotide variant.
Coding change: c.400G>A on transcript NM_007294.4 (MANE Select); coding-DNA position 400, G replaced by A.
Protein change: p.Ala134Thr; replaces alanine 134 with threonine.
Molecular consequence: missense variant. On other transcripts: non-coding transcript variant (1).
Genome position (GRCh38, 1-based): chr17:43,104,163, C>T on the plus strand (G>A on the coding strand, the complement: BRCA1 is on the minus strand). VCF-style: chr17-43104163-C-T. GRCh37 (hg19) VCF-style: chr17-41256180-C-T.
Other names: c.259G>A, p.Ala87Thr (NM_001407732.1, NM_001407733.1, NM_001407734.1 and 99 more transcripts); c.322G>A, p.Ala108Thr (NM_001408474.1, NM_001408475.1, NM_001408476.1 and 21 more transcripts); c.190G>A, p.Ala64Thr (NM_001408478.1, NM_001408479.1, NM_001408480.1 and 58 more transcripts); c.400G>A, p.Ala134Thr (NM_001408494.1, NM_001408495.1, NM_001407581.1 and 165 more transcripts); c.391G>A, p.Ala131Thr (NM_001407646.1, NM_001407647.1, NM_001408408.1); c.19G>A, p.Ala7Thr (NM_001407959.1, NM_001407960.1, NM_001407962.1 and 4 more transcripts); c.268G>A, p.Ala90Thr (NM_001408451.1); short protein forms A87T, A134T, A108T, A64T, A7T, A131T, A90T.
Identifiers: ClinVar variation 658182 (VCV000658182.14), dbSNP rs1597896591, ClinGen allele CA10601346.